The following is an entry in ClinVar:

NM_001040108.2(MLH3):c.3246G>C (p.Leu1082=)

Gene: MLH3 (mutL homolog 3; minus strand). Cytogenetic location: 14q24.3.
Variant type: single nucleotide variant.
Coding change: c.3246G>C on transcript NM_001040108.2 (MANE Select); coding-DNA position 3246, G replaced by C.
Protein change: p.Leu1082=; no amino-acid change (leucine 1082 retained).
Molecular consequence: synonymous variant.
Genome position (GRCh38, 1-based): chr14:75,046,410, C>G on the plus strand (G>C on the coding strand, the complement: MLH3 is on the minus strand). VCF-style: chr14-75046410-C-G. GRCh37 (hg19) VCF-style: chr14-75513113-C-G.
Other names: c.3246G>C, p.Leu1082= (NM_014381.3).
Identifiers: ClinVar variation 1729344 (VCV001729344.10), dbSNP rs369807408, ClinGen allele CA7275567.

ClinVar aggregate classification (germline): Benign/Likely benign. Review status: criteria provided, multiple submitters, no conflicts (2 of 4 stars). 4 submissions from 4 submitters: Benign (1); Likely benign (2). 1 of the submissions does not count toward it. Last evaluated 2026-05-05.

Conditions:
MLH3-related disorder. Also called: MLH3-related condition.
Colorectal cancer, hereditary nonpolyposis, type 7. Identifiers: Orphanet 144, MedGen C1858380, MONDO:0013725, OMIM 614385.

Allele frequency attached by ClinVar (database versions not stated): gnomAD 0.00001; ExAC 0.00001; TOPMed 0.00002; ESP Exome Variant Server 0.00008.
gnomAD v4.1: 2 of 1,614,026 alleles (0.00012%); highest among the groups gnomAD compares: African/African-American, 0.0013%; no homozygotes.

Submissions (4):

Myriad Genetics, Inc.
Classification: Benign for Colorectal cancer, hereditary nonpolyposis, type 7. Last evaluated: 2026-05-05. Review status: criteria provided, single submitter. Criteria: Myriad Autosomal Dominant, Autosomal Recessive and X-Linked Classification Criteria (2023). Collection method: clinical testing. Allele origin: unknown.
Comment: This variant is considered benign. This variant is a silent/synonymous amino acid change and it is not expected to impact splicing.

Labcorp Genetics (formerly Invitae), Labcorp
Classification: Likely benign for Colorectal cancer, hereditary nonpolyposis, type 7. Last evaluated: 2022-07-23. Review status: criteria provided, single submitter. Criteria: Invitae Variant Classification Sherloc (09022015). Collection method: clinical testing. Allele origin: germline.

Ambry Genetics
Classification: Likely benign. Last evaluated: 2022-06-11. Review status: criteria provided, single submitter. Criteria: Ambry Variant Classification Scheme 2023. Collection method: clinical testing. Allele origin: germline.

PreventionGenetics, part of Exact Sciences
Classification: Likely benign for MLH3-related condition. Last evaluated: 2022-02-03. Review status: no assertion criteria provided. Collection method: clinical testing. Allele origin: germline. Not counted in ClinVar's aggregate classification.
Comment: This variant is classified as likely benign based on ACMG/AMP sequence variant interpretation guidelines (Richards et al. 2015 PMID: 25741868, with internal and published modifications).